The following is an entry in ClinVar:

NM_015910.7(WDPCP):c.1910_1913del (p.Gly637fs)

Gene: WDPCP (WD repeat containing planar cell polarity effector; minus strand). Cytogenetic location: 2p15.
Variant type: Deletion.
Coding change: c.1910_1913del on transcript NM_015910.7 (MANE Select); coding-DNA positions 1910 to 1913, 4 bases deleted (GGGT; older notation c.1910_1913delGGGT).
Protein change: p.Gly637fs; shifts the reading frame from glycine 637.
Molecular consequence: frameshift variant.
Genome position (GRCh38, 1-based): chr2:63,259,309-63,259,312, ACCC deleted on the plus strand (GGGT on the coding strand, the reverse complement: WDPCP is on the minus strand). VCF-style (leftmost placement, unchanged base first): chr2-63259308-AACCC-A. GRCh37 (hg19) VCF-style: chr2-63486443-AACCC-A.
Other names: c.1433_1436del, p.Gly478fs (NM_001042692.3); c.1838_1841del, p.Gly613fs (NM_001354044.2); short protein forms G478fs, G613fs, G637fs.
Identifiers: ClinVar variation 1069076 (VCV001069076.7), dbSNP rs2104771725, ClinGen allele CA2499216177.

ClinVar aggregate classification (germline): Pathogenic (1 of 4 stars; one submission).

Conditions:
Bardet-Biedl syndrome (BBS). Identifiers: Orphanet 110, MedGen C0752166, MONDO:0015229.

Submission:

Labcorp Genetics (formerly Invitae), Labcorp
Classification: Pathogenic for Bardet-Biedl syndrome. Last evaluated: 2020-01-06. Review status: criteria provided, single submitter. Criteria: Invitae Variant Classification Sherloc (09022015). Collection method: clinical testing. Allele origin: germline.
Comment: For these reasons, this variant has been classified as Pathogenic. Loss-of-function variants in WDPCP are known to be pathogenic (PMID: 20671153). This variant has not been reported in the literature in individuals with WDPCP-related conditions. This variant is not present in population databases (ExAC no frequency). This sequence change creates a premature translational stop signal (p.Gly637Valfs*13) in the WDPCP gene. It is expected to result in an absent or disrupted protein product.

Literature cited by the submitters: PubMed 20671153.